The following is an entry in ClinVar:

ClinVar aggregate classification (germline): Uncertain significance. Review status: criteria provided, multiple submitters, no conflicts (2 of 4 stars). 6 submissions from 5 submitters: Uncertain significance (6). Last evaluated 2026-01-20.

Conditions:
Fibrochondrogenesis 2 (FBCG2). Identifiers: Orphanet 2021, MedGen C3281128, MONDO:0013795, OMIM 614524.
Otospondylomegaepiphyseal dysplasia, autosomal recessive (OSMEDB). Also called: Insley-Astley syndrome; CHONDRODYSTROPHY WITH SENSORINEURAL DEAFNESS. Identifiers: Orphanet 1427, MedGen CN034493, MONDO:0044206, OMIM 215150.

Allele frequency attached by ClinVar (database versions not stated): gnomAD exomes 0.00018 and 0.00019; ExAC 0.00021; 1000 Genomes Project 30x 0.00031; ESP Exome Variant Server 0.00038; gnomAD 0.00011 and 0.00012; TOPMed 0.00017.

Submissions (6):

Labcorp Genetics (formerly Invitae), Labcorp
Classification: Uncertain significance. Last evaluated: 2026-01-20. Review status: criteria provided, single submitter. Criteria: Invitae Variant Classification Sherloc (09022015). Collection method: clinical testing. Allele origin: germline.
Comment: This sequence change replaces proline, which is neutral and non-polar, with leucine, which is neutral and non-polar, at codon 393 of the COL11A2 protein (p.Pro393Leu). This variant is present in population databases (rs140266192, gnomAD 0.03%). This variant has not been reported in the literature in individuals affected with COL11A2-related conditions. ClinVar contains an entry for this variant (Variation ID: 356408). An algorithm developed to predict the effect of missense changes on protein structure and function (PolyPhen-2) suggests that this variant is likely to be tolerated. In summary, the available evidence is currently insufficient to determine the role of this variant in disease. Therefore, it has been classified as a Variant of Uncertain Significance.

GeneDx
Classification: Uncertain significance. Last evaluated: 2026-01-15. Review status: criteria provided, single submitter. Criteria: GeneDx Variant Classification Process June 2021. Collection method: clinical testing. Allele origin: germline. Affected: yes.
Comment: Has not been previously published as pathogenic or benign to our knowledge; In silico analysis supports that this missense variant has a deleterious effect on protein structure/function

Blueprint Genetics
Classification: Uncertain significance. Last evaluated: 2024-09-30. Review status: criteria provided, single submitter. Criteria: ACMG Guidelines, 2015. Collection method: clinical testing. Allele origin: germline.

Women's Health and Genetics/Laboratory Corporation of America, LabCorp
Classification: Uncertain significance. Last evaluated: 2024-09-05. Review status: criteria provided, single submitter. Criteria: LabCorp Variant Classification Summary - May 2015. Collection method: clinical testing. Allele origin: germline.
Comment: Variant summary: COL11A2 c.1178C>T (p.Pro393Leu) results in a non-conservative amino acid change in the encoded protein sequence. Five of five in-silico tools predict a damaging effect of the variant on protein function. Consensus agreement among computation tools predict no significant impact on normal splicing. However, these predictions have yet to be confirmed by functional studies. The variant allele was found at a frequency of 0.00018 in 251478 control chromosomes. This frequency is not significantly higher than estimated for a pathogenic variant in COL11A2 causing COL11A2-Related Disorders, allowing no conclusion about variant significance. To our knowledge, no occurrence of c.1178C>T in individuals affected with COL11A2-Related Disorders and no experimental evidence demonstrating its impact on protein function have been reported. ClinVar contains an entry for this variant (Variation ID: 356408). Based on the evidence outlined above, the variant was classified as uncertain significance.

Illumina Laboratory Services, Illumina
Classification: Uncertain significance for Fibrochondrogenesis 2. Last evaluated: 2018-01-13. Review status: criteria provided, single submitter. Criteria: ICSL Variant Classification Criteria 13 December 2019. Collection method: clinical testing. Allele origin: germline.

Illumina Laboratory Services, Illumina
Classification: Uncertain significance for Otospondylomegaepiphyseal dysplasia, autosomal recessive. Last evaluated: 2018-01-13. Review status: criteria provided, single submitter. Criteria: ICSL Variant Classification Criteria 13 December 2019. Collection method: clinical testing. Allele origin: germline.

NM_080680.3(COL11A2):c.1178C>T (p.Pro393Leu)

Gene: COL11A2 (collagen type XI alpha 2 chain; minus strand). Cytogenetic location: 6p21.32.
Variant type: single nucleotide variant.
Coding change: c.1178C>T on transcript NM_080680.3 (MANE Select); coding-DNA position 1178, C replaced by T.
Protein change: p.Pro393Leu; replaces proline 393 with leucine.
Molecular consequence: missense variant.
Genome position (GRCh38, 1-based): chr6:33,181,112, G>A on the plus strand (C>T on the coding strand, the complement: COL11A2 is on the minus strand). VCF-style: chr6-33181112-G-A. GRCh37 (hg19) VCF-style: chr6-33148889-G-A.
Other names: c.857C>T, p.Pro286Leu (NM_080679.3); c.920C>T, p.Pro307Leu (NM_080681.3); short protein forms P393L, P286L, P307L.
Identifiers: ClinVar variation 356408 (VCV000356408.21), dbSNP rs140266192, ClinGen allele CA3751448.